The following is an entry in ClinVar:

NM_021072.4(HCN1):c.558C>G (p.Phe186Leu)

Gene: HCN1 (hyperpolarization activated cyclic nucleotide gated potassium channel 1; minus strand). Cytogenetic location: 5p12.
Variant type: single nucleotide variant.
Coding change: c.558C>G on transcript NM_021072.4 (MANE Select); coding-DNA position 558, C replaced by G.
Protein change: p.Phe186Leu; replaces phenylalanine 186 with leucine.
Molecular consequence: missense variant.
Genome position (GRCh38, 1-based): chr5:45,645,476, G>C on the plus strand (C>G on the coding strand, the complement: HCN1 is on the minus strand). VCF-style: chr5-45645476-G-C. GRCh37 (hg19) VCF-style: chr5-45645578-G-C.
Other names: short protein forms F186L.
Identifiers: ClinVar variation 404101 (VCV000404101.10), dbSNP rs1060500097, ClinGen allele CA16611854.

ClinVar aggregate classification (germline): Uncertain significance. Review status: criteria provided, multiple submitters, no conflicts (2 of 4 stars). 2 submissions from 2 submitters: Uncertain significance (2). Last evaluated 2026-03-14.

Conditions:
Early-infantile DEE. Also called: Ohtahara syndrome; Early infantile epileptic encephalopathy with suppression bursts; Early infantile epileptic encephalopathy. Identifiers: Orphanet 1934, MedGen C0393706, MONDO:0800491.

Submissions (2):

GeneDx
Classification: Uncertain significance. Last evaluated: 2026-03-14. Review status: criteria provided, single submitter. Criteria: GeneDx Variant Classification Process June 2021. Collection method: clinical testing. Allele origin: germline.
Comment: Not observed at significant frequency in large population cohorts (gnomAD); In silico analysis supports that this missense variant has a deleterious effect on protein structure/function; Has not been previously published as pathogenic or benign to our knowledge

Labcorp Genetics (formerly Invitae), Labcorp
Classification: Uncertain significance for Early-infantile DEE. Last evaluated: 2022-03-11. Review status: criteria provided, single submitter. Criteria: Invitae Variant Classification Sherloc (09022015). Collection method: clinical testing. Allele origin: germline.
Comment: In summary, the available evidence is currently insufficient to determine the role of this variant in disease. Therefore, it has been classified as a Variant of Uncertain Significance. Advanced modeling of protein sequence and biophysical properties (such as structural, functional, and spatial information, amino acid conservation, physicochemical variation, residue mobility, and thermodynamic stability) performed at Invitae indicates that this missense variant is expected to disrupt HCN1 protein function. ClinVar contains an entry for this variant (Variation ID: 404101). This variant has not been reported in the literature in individuals affected with HCN1-related conditions. This variant is not present in population databases (gnomAD no frequency). This sequence change replaces phenylalanine, which is neutral and non-polar, with leucine, which is neutral and non-polar, at codon 186 of the HCN1 protein (p.Phe186Leu).